The following is an entry in ClinVar:

NM_001330288.2(SMARCC2):c.1053T>G (p.Asn351Lys)

Gene: SMARCC2 (SWI/SNF related BAF chromatin remodeling complex subunit C2; minus strand). Cytogenetic location: 12q13.2.
Variant type: single nucleotide variant.
Coding change: c.1053T>G on transcript NM_001330288.2 (MANE Select); coding-DNA position 1053, T replaced by G.
Protein change: p.Asn351Lys; replaces asparagine 351 with lysine.
Molecular consequence: missense variant.
Genome position (GRCh38, 1-based): chr12:56,181,005, A>C on the plus strand (T>G on the coding strand, the complement: SMARCC2 is on the minus strand). VCF-style: chr12-56181005-A-C. GRCh37 (hg19) VCF-style: chr12-56574789-A-C.
Other names: c.1053T>G, p.Asn351Lys (NM_001130420.3, NM_003075.5, NM_139067.4); short protein forms N351K.
Identifiers: ClinVar variation 3772011 (VCV003772011.13).

ClinVar aggregate classification (germline): Uncertain significance (1 of 4 stars; one submission).

Submission:

CeGaT Center for Human Genetics Tuebingen
Classification: Uncertain significance. Last evaluated: 2024-12-01. Review status: criteria provided, single submitter. Criteria: CeGaT Center For Human Genetics Tuebingen Variant Classification Criteria Version 2. Collection method: clinical testing. Allele origin: germline. Affected: yes. Observed: 1 variant allele.
Comment: SMARCC2: PM2, PP3